The following is an entry in ClinVar:

NM_020366.4(RPGRIP1):c.1903G>A (p.Ala635Thr)

Gene: RPGRIP1 (RPGR interacting protein 1; plus strand). Cytogenetic location: 14q11.2.
Variant type: single nucleotide variant.
Coding change: c.1903G>A on transcript NM_020366.4 (MANE Select); coding-DNA position 1903, G replaced by A.
Protein change: p.Ala635Thr; replaces alanine 635 with threonine.
Molecular consequence: missense variant. On other transcripts: intron variant (4).
Genome position (GRCh38, 1-based): chr14:21,324,758, G>A. VCF-style: chr14-21324758-G-A. GRCh37 (hg19) VCF-style: chr14-21792917-G-A.
Other names: c.829G>A, p.Ala277Thr (NM_001377948.1); c.796+33G>A (NM_001377949.1); c.688+2754G>A (NM_001377523.1, NM_001377950.1); c.190+2754G>A (NM_001377951.1); short protein forms A277T, A635T.
Identifiers: ClinVar variation 1997584 (VCV001997584.4), dbSNP rs767116798, ClinGen allele CA7089118.

ClinVar aggregate classification (germline): Uncertain significance (1 of 4 stars; one submission).

Conditions:
Leber congenital amaurosis 6 (LCA6). Identifiers: Orphanet 65, MedGen C1854260, MONDO:0013446, OMIM 613826.
Cone-rod dystrophy 13 (CORD13). Identifiers: Orphanet 1872, MedGen C2750720, MONDO:0011987, OMIM 608194.

Allele frequency attached by ClinVar (database versions not stated): gnomAD exomes below 0.00001; ExAC 0.00001.
gnomAD v4.1: 1 of 1,614,018 alleles (0.000062%); highest among the groups gnomAD compares: Non-Finnish European, 0.000085%; no homozygotes.

Submission:

Labcorp Genetics (formerly Invitae), Labcorp
Classification: Uncertain significance for Leber congenital amaurosis 6; Cone-rod dystrophy 13. Last evaluated: 2022-05-21. Review status: criteria provided, single submitter. Criteria: Invitae Variant Classification Sherloc (09022015). Collection method: clinical testing. Allele origin: germline.
Comment: In summary, the available evidence is currently insufficient to determine the role of this variant in disease. Therefore, it has been classified as a Variant of Uncertain Significance. Algorithms developed to predict the effect of missense changes on protein structure and function are either unavailable or do not agree on the potential impact of this missense change (SIFT: "Deleterious"; PolyPhen-2: "Probably Damaging"; Align-GVGD: "Class C0"). This variant has not been reported in the literature in individuals affected with RPGRIP1-related conditions. This variant is present in population databases (rs767116798, gnomAD 0.0009%). This sequence change replaces alanine, which is neutral and non-polar, with threonine, which is neutral and polar, at codon 635 of the RPGRIP1 protein (p.Ala635Thr).